The following is an entry in ClinVar:

NM_213607.3(DNAAF19):c.1A>G (p.Met1Val)

Gene: DNAAF19 (dynein axonemal assembly factor 19; plus strand). Cytogenetic location: 17q21.31.
Variant type: single nucleotide variant.
Coding change: c.1A>G on transcript NM_213607.3 (MANE Select); coding-DNA position 1, A replaced by G.
Protein change: p.Met1Val; changes the start codon (methionine 1).
Molecular consequence: missense variant, initiator codon variant.
Genome position (GRCh38, 1-based): chr17:44,900,999, A>G. VCF-style: chr17-44900999-A-G. GRCh37 (hg19) VCF-style: chr17-42978367-A-G.
Other names: c.1A>G, p.Met1Val (NM_001258395.2, NM_001258396.2, NM_001258397.3 and 2 more transcripts); c.1A>G (NM_213607.2); short protein forms M1V.
Identifiers: ClinVar variation 4974960 (VCV004974960.2).

ClinVar aggregate classification (germline): Conflicting classifications of pathogenicity. Review status: criteria provided, conflicting classifications (1 of 4 stars). 2 submissions from 2 submitters: Likely pathogenic (1); Uncertain significance (1). Last evaluated 2026-05-23.

Conditions:
DNAAF19-related condition.
Primary ciliary dyskinesia 17. Also called: CILIARY DYSKINESIA, PRIMARY, 17, WITH OR WITHOUT SITUS INVERSUS. Identifiers: Orphanet 244, MedGen C3542550, MONDO:0013854, OMIM 614679.

gnomAD v4.1: 2 of 1,602,614 alleles (0.00012%); highest among the groups gnomAD compares: Non-Finnish European, 0.00017%; no homozygotes.

Submissions (2):

Molecular Diagnostics Laboratory, M Health Fairview: University of Minnesota
Classification: Likely pathogenic for Primary ciliary dyskinesia 17. Last evaluated: 2026-05-23. Review status: criteria provided, single submitter. Criteria: ACMG Guidelines, 2015. Collection method: clinical testing. Allele origin: germline. Affected: yes.
Comment: The p.M1? (c.1A>G) variant in CCDC103 alters the initiation codon and is predicted to result in either loss of translation initiation, N-terminal truncation, or cause a shift in the mRNA reading frame. In the gnomAD (v4.1.0) database of approximately 800,000 controls, two individuals are heterozygous for this variant. This variant has not been reported in the ClinVar database. In silico prediction models provide conflicting evidence for this variant; however, the accuracy of such models is limited. This variant has not been reported in a review of relevant medical literature. Based upon the available evidence, this variant is classified as likely pathogenic.

PreventionGenetics, part of Exact Sciences
Classification: Uncertain significance for DNAAF19-related condition. Last evaluated: 2026-04-10. Review status: criteria provided, single submitter. Criteria: ACMG Guidelines, 2015. Collection method: clinical testing. Allele origin: germline.
Comment: The DNAAF19 c.1A>G variant is predicted to disrupt the translation initiation site (Start loss). To our knowledge, this variant has not been reported in the literature or in a large population database (gnomAD), indicating this variant is rare. Although we suspect that this variant may be pathogenic, at this time, the clinical significance of this variant is uncertain due to the absence of conclusive functional and genetic evidence.